The following is an entry in ClinVar:

NM_004186.5(SEMA3F):c.2349G>A (p.Pro783=)

Gene: SEMA3F (semaphorin 3F; plus strand). Cytogenetic location: 3p21.31.
Variant type: single nucleotide variant.
Coding change: c.2349G>A on transcript NM_004186.5 (MANE Select); coding-DNA position 2349, G replaced by A.
Protein change: p.Pro783=; no amino-acid change (proline 783 retained).
Molecular consequence: synonymous variant.
Genome position (GRCh38, 1-based): chr3:50,188,106, G>A. VCF-style: chr3-50188106-G-A. GRCh37 (hg19) VCF-style: chr3-50225539-G-A.
Other names: c.2052G>A, p.Pro684= (NM_001318798.2); c.2256G>A, p.Pro752= (NM_001318800.2).
Identifiers: ClinVar variation 3350381 (VCV003350381.1).
Genomic context (GRCh38, chr3:50,188,106, plus strand): 5'-ACCCCGGTCTCCTGAGCCCCAGGACCAGAAAAAGCCCCGGAACCGCCGGCACCACCCTCC[G>A]GACACATGAGGCCAGCTGCCTGTGCCTGCCATGGGCCAGCCTAGCCCTTGTCCCTTTTAA-3'
Protein context (NP_004177.3, residues 773-785): KKPRNRRHHP[Pro783=]DT

ClinVar aggregate classification (germline): Likely benign (0 of 4 stars; one submission).

Conditions:
SEMA3F-related disorder. Also called: SEMA3F-related condition.

gnomAD v4.1: 47 of 1,515,302 alleles (0.0031%); highest among the groups gnomAD compares: Non-Finnish European, 0.004%; no homozygotes.

Submission:

PreventionGenetics, part of Exact Sciences
Classification: Likely benign for SEMA3F-related condition. Last evaluated: 2023-05-16. Review status: no assertion criteria provided. Collection method: clinical testing. Allele origin: germline.
Comment: This variant is classified as likely benign based on ACMG/AMP sequence variant interpretation guidelines (Richards et al. 2015 PMID: 25741868, with internal and published modifications).